The following is an entry in ClinVar:

ClinVar aggregate classification (germline): Benign/Likely benign. Review status: criteria provided, multiple submitters, no conflicts (2 of 4 stars). 5 submissions from 5 submitters: Benign (1); Likely benign (3). 1 of the submissions does not count toward it. Last evaluated 2025-12-15.

Conditions:
DOCK6-related disorder. Also called: DOCK6-related condition.

Allele frequency attached by ClinVar (database versions not stated): 1000 Genomes Project 0.00120; 1000 Genomes Project 30x 0.00141; gnomAD 0.00173; ESP Exome Variant Server 0.00201; TOPMed 0.00205.
gnomAD v4.1: 531 of 1,612,116 alleles (0.033%); highest among the groups gnomAD compares: African/African-American, 0.6%; 2 homozygotes.

Submissions (5):

Labcorp Genetics (formerly Invitae), Labcorp
Classification: Benign. Last evaluated: 2025-12-15. Review status: criteria provided, single submitter. Criteria: Invitae Variant Classification Sherloc (09022015). Collection method: clinical testing. Allele origin: germline.

Blueprint Genetics
Classification: Likely benign. Last evaluated: 2023-12-04. Review status: criteria provided, single submitter. Criteria: ACMG Guidelines, 2015. Collection method: clinical testing. Allele origin: germline.

GeneDx
Classification: Likely benign. Last evaluated: 2020-10-21. Review status: criteria provided, single submitter. Criteria: GeneDx Variant Classification Process June 2021. Collection method: clinical testing. Allele origin: germline. Affected: yes.

Breakthrough Genomics
Classification: Likely benign. Review status: criteria provided, single submitter. Criteria: ACMG Guidelines, 2015. Collection method: not provided. Allele origin: germline. Inheritance: Autosomal recessive inheritance. Affected: yes.

PreventionGenetics, part of Exact Sciences
Classification: Likely benign for DOCK6-related condition. Last evaluated: 2024-01-05. Review status: no assertion criteria provided. Collection method: clinical testing. Allele origin: germline. Not counted in ClinVar's aggregate classification.
Comment: This variant is classified as likely benign based on ACMG/AMP sequence variant interpretation guidelines (Richards et al. 2015 PMID: 25741868, with internal and published modifications).

NM_020812.4(DOCK6):c.4479C>T (p.Phe1493=)

Genes: DOCK6 (dedicator of cytokinesis 6; minus strand), DOCK6-AS1 (DOCK6 antisense RNA 1; plus strand). Cytogenetic location: 19p13.2.
Variant type: single nucleotide variant.
Coding change: c.4479C>T on transcript NM_020812.4 (MANE Select); coding-DNA position 4479, C replaced by T.
Protein change: p.Phe1493=; no amino-acid change (phenylalanine 1493 retained).
Molecular consequence: synonymous variant.
Genome position (GRCh38, 1-based): chr19:11,213,188, G>A on the plus strand (C>T on the coding strand, the complement: DOCK6 is on the minus strand). VCF-style: chr19-11213188-G-A. GRCh37 (hg19) VCF-style: chr19-11323864-G-A.
Other names: c.4584C>T, p.Phe1528= (NM_001367830.1).
Identifiers: ClinVar variation 709958 (VCV000709958.15), dbSNP rs146048288, ClinGen allele CA9206845.